The following is an entry in ClinVar:

NM_004714.3(DYRK1B):c.1356C>T (p.Pro452=)

Gene: DYRK1B (dual specificity tyrosine phosphorylation regulated kinase 1B; minus strand). Cytogenetic location: 19q13.2.
Variant type: single nucleotide variant.
Coding change: c.1356C>T on transcript NM_004714.3 (MANE Select); coding-DNA position 1356, C replaced by T.
Protein change: p.Pro452=; no amino-acid change (proline 452 retained).
Molecular consequence: synonymous variant.
Genome position (GRCh38, 1-based): chr19:39,826,727, G>A on the plus strand (C>T on the coding strand, the complement: DYRK1B is on the minus strand). VCF-style: chr19-39826727-G-A. GRCh37 (hg19) VCF-style: chr19-40317367-G-A.
Other names: c.1236C>T, p.Pro412= (NM_006483.3); c.1272C>T, p.Pro424= (NM_006484.3).
Identifiers: ClinVar variation 3032306 (VCV003032306.2), dbSNP rs749297764, ClinGen allele CA9434076.
Genomic context (GRCh38, chr19:39,826,727, plus strand): 5'-CCCACCAGAACTGGAGATGGAGCTGGCGGTGCTGGAAGAGGGGCAGGTGTCGAGGGGCGC[G>A]GGCGAGGTGGAGGCACTGCTGCCTGCCGGGCCCGTGTTGGTGGCCTCGTCGGCCGTGCGG-3'
Protein context (NP_004705.1, residues 442-462): GPAGSSASTS[Pro452=]APLDTCPSSS

ClinVar aggregate classification (germline): Likely benign (0 of 4 stars; one submission).

Conditions:
DYRK1B-related disorder. Also called: DYRK1B-related condition.

Allele frequency attached by ClinVar (database versions not stated): TOPMed 0.00002; gnomAD 0.00003; ExAC 0.00005.
gnomAD v4.1: 27 of 1,601,916 alleles (0.0017%); highest among the groups gnomAD compares: South Asian, 0.012%; no homozygotes.

Submission:

PreventionGenetics, part of Exact Sciences
Classification: Likely benign for DYRK1B-related condition. Last evaluated: 2023-04-19. Review status: no assertion criteria provided. Collection method: clinical testing. Allele origin: germline.
Comment: This variant is classified as likely benign based on ACMG/AMP sequence variant interpretation guidelines (Richards et al. 2015 PMID: 25741868, with internal and published modifications).